The following is an entry in ClinVar:

ClinVar aggregate classification (germline): Uncertain significance (1 of 4 stars; one submission).

Conditions:
Cystic fibrosis (CF). Also called: MUCOVISCIDOSIS. Identifiers: Orphanet 586, MedGen C0010674, MONDO:0009061, OMIM 219700. Disease mechanism: loss of function.

Submission:

Ambry Genetics
Classification: Uncertain significance for Cystic fibrosis. Last evaluated: 2026-07-27. Review status: criteria provided, single submitter. Criteria: Ambry Variant Classification Scheme 2023. Collection method: clinical testing. Allele origin: germline.
Comment: The p.G1125A variant (also known as c.3374G>C), located in coding exon 21 of the CFTR gene, results from a G to C substitution at nucleotide position 3374. The glycine at codon 1125 is replaced by alanine, an amino acid with similar properties. This amino acid position is conserved. In addition, this alteration is predicted to be deleterious by in silico analysis. Based on the available evidence, the clinical significance of this variant remains unclear.

NM_000492.4(CFTR):c.3374G>C (p.Gly1125Ala)

Genes: CFTR (CF transmembrane conductance regulator; plus strand), CFTR-AS2 (CFTR antisense RNA 2; minus strand). Cytogenetic location: 7q31.2.
Variant type: single nucleotide variant.
Coding change: c.3374G>C on transcript NM_000492.4 (MANE Select); coding-DNA position 3374, G replaced by C.
Protein change: p.Gly1125Ala; replaces glycine 1125 with alanine.
Molecular consequence: missense variant.
Genome position (GRCh38, 1-based): chr7:117,614,619, G>C. VCF-style: chr7-117614619-G-C. GRCh37 (hg19) VCF-style: chr7-117254673-G-C.
Other names: short protein forms G1125A.
Identifiers: ClinVar variation 5034450 (VCV005034450.1).